The following is an entry in ClinVar:

NM_001166108.2(PALLD):c.21T>A (p.His7Gln)

Gene: PALLD (palladin, cytoskeletal associated protein; plus strand). Cytogenetic location: 4q32.3.
Variant type: single nucleotide variant.
Coding change: c.21T>A on transcript NM_001166108.2 (MANE Select); coding-DNA position 21, T replaced by A.
Protein change: p.His7Gln; replaces histidine 7 with glutamine.
Molecular consequence: missense variant.
Genome position (GRCh38, 1-based): chr4:168,511,525, T>A. VCF-style: chr4-168511525-T-A. GRCh37 (hg19) VCF-style: chr4-169432676-T-A.
Other names: c.21T>A, p.His7Gln (NM_016081.4); short protein forms H7Q.
Identifiers: ClinVar variation 1787620 (VCV001787620.2), dbSNP rs1404559721, ClinGen allele CA358723976.

ClinVar aggregate classification (germline): Uncertain significance (1 of 4 stars; one submission).

Allele frequency attached by ClinVar (database versions not stated): TOPMed below 0.00001; gnomAD 0.00001.
gnomAD v4.1: 1 of 1,613,608 alleles (0.000062%); highest among the groups gnomAD compares: African/African-American, 0.0013%; no homozygotes.

Submission:

Ambry Genetics
Classification: Uncertain significance. Last evaluated: 2021-08-07. Review status: criteria provided, single submitter. Criteria: Ambry Variant Classification Scheme 2023. Collection method: clinical testing. Allele origin: germline.
Comment: The p.H7Q variant (also known as c.21T>A), located in coding exon 1 of the PALLD gene, results from a T to A substitution at nucleotide position 21. The histidine at codon 7 is replaced by glutamine, an amino acid with highly similar properties. This amino acid position is conserved. In addition, this alteration is predicted to be tolerated by in silico analysis. Since supporting evidence is limited at this time, the clinical significance of this alteration remains unclear.